The following is an entry in ClinVar:

NM_000038.6(APC):c.3128C>T (p.Pro1043Leu)

Gene: APC (APC regulator of Wnt signaling pathway; plus strand). Cytogenetic location: 5q22.2.
Variant type: single nucleotide variant.
Coding change: c.3128C>T on transcript NM_000038.6 (MANE Select); coding-DNA position 3128, C replaced by T.
Protein change: p.Pro1043Leu; replaces proline 1043 with leucine.
Molecular consequence: missense variant.
Genome position (GRCh38, 1-based): chr5:112,838,722, C>T. VCF-style: chr5-112838722-C-T. GRCh37 (hg19) VCF-style: chr5-112174419-C-T.
Other names: c.3128C>T, p.Pro1043Leu (NM_001127510.3, NM_001354895.2); c.3074C>T, p.Pro1025Leu (NM_001127511.3); c.3182C>T, p.Pro1061Leu (NM_001354896.2); c.3158C>T, p.Pro1053Leu (NM_001354897.2); c.3053C>T, p.Pro1018Leu (NM_001354898.2); c.3044C>T, p.Pro1015Leu (NM_001354899.2); c.3005C>T, p.Pro1002Leu (NM_001354900.2); c.2951C>T, p.Pro984Leu (NM_001354901.2); and 5 more; short protein forms P1025L, P1043L, P1002L, P1018L, P1053L, P1061L, P917L, P952L.
Identifiers: ClinVar variation 418844 (VCV000418844.26), dbSNP rs1030285956, ClinGen allele CA16028190.

ClinVar aggregate classification (germline): Uncertain significance. Review status: criteria provided, multiple submitters, no conflicts (2 of 4 stars). 7 submissions from 7 submitters: Uncertain significance (7). Last evaluated 2026-01-12.

Conditions:
Hereditary cancer-predisposing syndrome. Also called: Tumor predisposition; Hereditary Cancer Syndrome; Hereditary neoplastic syndrome; Neoplastic Syndromes, Hereditary. Identifiers: Orphanet 140162, MedGen C0027672, MeSH D009386, MONDO:0015356.
Classic or attenuated familial adenomatous polyposis. Identifiers: MedGen CN372698, MONDO:0021057.
Familial adenomatous polyposis 1 (FAP1). Also called: FAMILIAL ADENOMATOUS POLYPOSIS 1, ATTENUATED; POLYPOSIS, ADENOMATOUS INTESTINAL. Identifiers: MedGen C2713442, MONDO:0021056, OMIM 175100. Disease mechanism: loss of function.

Allele frequency attached by ClinVar (database versions not stated): gnomAD exomes below 0.00001; gnomAD 0.00001; TOPMed 0.00001.
gnomAD v4.1: 2 of 1,613,982 alleles (0.00012%); highest among the groups gnomAD compares: Non-Finnish European, 0.00017%; no homozygotes.

Submissions (7):

Labcorp Genetics (formerly Invitae), Labcorp
Classification: Uncertain significance for Familial adenomatous polyposis 1. Last evaluated: 2026-01-12. Review status: criteria provided, single submitter. Criteria: Invitae Variant Classification Sherloc (09022015). Collection method: clinical testing. Allele origin: germline.
Comment: This sequence change replaces proline, which is neutral and non-polar, with leucine, which is neutral and non-polar, at codon 1043 of the APC protein (p.Pro1043Leu). This variant is present in population databases (no rsID available, gnomAD 0.0009%). This variant has not been reported in the literature in individuals affected with APC-related conditions. ClinVar contains an entry for this variant (Variation ID: 418844). Invitae Evidence Modeling of protein sequence and biophysical properties (such as structural, functional, and spatial information, amino acid conservation, physicochemical variation, residue mobility, and thermodynamic stability) indicates that this missense variant is not expected to disrupt APC protein function with a negative predictive value of 95%. In summary, the available evidence is currently insufficient to determine the role of this variant in disease. Therefore, it has been classified as a Variant of Uncertain Significance.

Ambry Genetics
Classification: Uncertain significance for Hereditary cancer-predisposing syndrome. Last evaluated: 2025-12-09. Review status: criteria provided, single submitter. Criteria: Ambry Variant Classification Scheme 2023. Collection method: clinical testing. Allele origin: germline.
Comment: The p.P1043L variant (also known as c.3128C>T), located in coding exon 15 of the APC gene, results from a C to T substitution at nucleotide position 3128. The proline at codon 1043 is replaced by leucine, an amino acid with similar properties. This amino acid position is highly conserved in available vertebrate species. In addition, in silico predictors for this gene do not accurately predict pathogenicity. Since supporting evidence is limited at this time, the clinical significance of this alteration remains unclear.

Color Diagnostics, LLC DBA Color Health
Classification: Uncertain significance for Hereditary cancer-predisposing syndrome. Last evaluated: 2025-07-11. Review status: criteria provided, single submitter. Criteria: ACMG Guidelines, 2015. Collection method: clinical testing. Allele origin: germline.
Comment: This missense variant replaces proline with leucine at codon 1043 of the APC protein. Computational prediction is inconclusive regarding the impact of this variant on protein structure and function. To our knowledge, functional studies have not been reported for this variant. This variant has not been reported in individuals affected with APC-related disorders in the literature. This variant has been identified in 1/250686 chromosomes in the general population by the Genome Aggregation Database (gnomAD). The available evidence is insufficient to determine the role of this variant in disease conclusively. Therefore, this variant is classified as a Variant of Uncertain Significance.

All of Us Research Program, National Institutes of Health
Classification: Uncertain significance for Classic or attenuated familial adenomatous polyposis. Last evaluated: 2023-12-18. Review status: criteria provided, single submitter. Criteria: ACMG Guidelines, 2015. Collection method: clinical testing. Allele origin: germline. Inheritance: Autosomal dominant inheritance. Observed: 3 variant alleles, 3 heterozygotes.
Comment: This missense variant replaces proline with leucine at codon 1043 of the APC protein. Computational prediction is inconclusive regarding the impact of this variant on protein structure and function (internally defined REVEL score threshold 0.5 < inconclusive < 0.7, PMID: 27666373). To our knowledge, functional studies have not been reported for this variant. This variant has not been reported in individuals affected with APC-related disorders in the literature. This variant has been identified in 1/250686 chromosomes in the general population by the Genome Aggregation Database (gnomAD). The available evidence is insufficient to determine the role of this variant in disease conclusively. Therefore, this variant is classified as a Variant of Uncertain Significance.

This study involves interpretation of variants in research participants for the purpose of population health screening. Participant phenotype was not available at the time of variant classification. Additional details can be found in publication PMID: 35346344, PMCID: PMC8962531

Blueprint Genetics
Classification: Uncertain significance. Last evaluated: 2023-11-15. Review status: criteria provided, single submitter. Criteria: ACMG Guidelines, 2015. Collection method: clinical testing. Allele origin: germline.

Women's Health and Genetics/Laboratory Corporation of America, LabCorp
Classification: Uncertain significance. Last evaluated: 2023-10-18. Review status: criteria provided, single submitter. Criteria: LabCorp Variant Classification Summary - May 2015. Collection method: clinical testing. Allele origin: germline.

GeneDx
Classification: Uncertain significance. Last evaluated: 2017-06-29. Review status: criteria provided, single submitter. Criteria: GeneDx Variant Classification (06012015). Collection method: clinical testing. Allele origin: germline. Affected: yes.
Comment: This variant is denoted APC c.3128C>T at the cDNA level, p.Pro1043Leu (P1043L) at the protein level, and results in the change of a Proline to a Leucine (CCT>CTT). This variant has not, to our knowledge, been published in the literature as pathogenic or benign. APC Pro1043Leu was not observed in large population cohorts (NHLBI Exome Sequencing Project, The 1000 Genomes Consortium 2015, Lek 2016). Since Proline and Leucine differ in some properties, this is considered a semi-conservative amino acid substitution. APC Pro1043Leu occurs at a position that is conserved across species and is located within 15-amino acid repeat beta-catenin binding domain (Azzopardi 2008). In silico analyses predict that this variant is probably damaging to protein structure and function. Based on currently available information, it is unclear whether APC Pro1043Leu is pathogenic or benign. We consider it to be a variant of uncertain significance.